The following is an entry in ClinVar:

NM_144701.3(IL23R):c.1841A>C (p.Gln614Pro)

Gene: IL23R (interleukin 23 receptor; plus strand). Cytogenetic location: 1p31.3.
Variant type: single nucleotide variant.
Coding change: c.1841A>C on transcript NM_144701.3 (MANE Select); coding-DNA position 1841, A replaced by C.
Protein change: p.Gln614Pro; replaces glutamine 614 with proline.
Molecular consequence: missense variant.
Genome position (GRCh38, 1-based): chr1:67,259,079, A>C. VCF-style: chr1-67259079-A-C. GRCh37 (hg19) VCF-style: chr1-67724762-A-C.
Other names: short protein forms Q614P.
Identifiers: ClinVar variation 2899411 (VCV002899411.3), dbSNP rs982678126, ClinGen allele CA23506592.
Genomic context (GRCh38, chr1:67,259,079, plus strand): 5'-TTGTCTCCTGTTTGGGGATCGTGAATGAGGAGTTGCCATCTATTAATACTTATTTTCCAC[A>C]AAATATTTTGGAAAGCCACTTCAATAGGATTTCACTCTTGGAAAAGTAGAGCTGTGTGGT-3'
Protein context (NP_653302.2, residues 604-624): ELPSINTYFP[Gln614Pro]NILESHFNRI

ClinVar aggregate classification (germline): Uncertain significance (1 of 4 stars; one submission).

Allele frequency attached by ClinVar (database versions not stated): TOPMed below 0.00001; gnomAD 0.00001.
gnomAD v4.1: 1 of 1,613,850 alleles (0.000062%); highest among the groups gnomAD compares: Non-Finnish European, 0.000085%; no homozygotes.

Submission:

Labcorp Genetics (formerly Invitae), Labcorp
Classification: Uncertain significance. Last evaluated: 2025-08-14. Review status: criteria provided, single submitter. Criteria: Invitae Variant Classification Sherloc (09022015). Collection method: clinical testing. Allele origin: germline.
Comment: This sequence change replaces glutamine, which is neutral and polar, with proline, which is neutral and non-polar, at codon 614 of the IL23R protein (p.Gln614Pro). This variant is not present in population databases (gnomAD no frequency). This variant has not been reported in the literature in individuals affected with IL23R-related conditions. ClinVar contains an entry for this variant (Variation ID: 2899411). An algorithm developed to predict the effect of missense changes on protein structure and function (PolyPhen-2) suggests that this variant is likely to be disruptive. In summary, the available evidence is currently insufficient to determine the role of this variant in disease. Therefore, it has been classified as a Variant of Uncertain Significance.